The following is an entry in ClinVar:

ClinVar aggregate classification (germline): Likely pathogenic. Review status: criteria provided, multiple submitters, no conflicts (2 of 4 stars). 3 submissions from 3 submitters: Likely pathogenic (3). Last evaluated 2019-12-11.

Conditions:
Inherited oocyte maturation defect (OOMD). Also called: Oocyte maturation defect; Oocyte/zygote/embryo maturation arrest. Identifiers: MedGen CN238505, MONDO:0014769.
Oocyte maturation defect 2 (OZEMA2). Also called: OOCYTE/ZYGOTE/EMBRYO MATURATION ARREST 2. Identifiers: MedGen C4225210, MONDO:0021573, OMIM 616780.

Allele frequency attached by ClinVar (database versions not stated): ExAC 0.00007; gnomAD 0.00022.

Submissions (3):

Genetics Laboratory, Instituto de Ciencias en Reproduccion Humana
Classification: Likely pathogenic for Oocyte maturation defect. Last evaluated: 2019-12-11. Review status: criteria provided, single submitter. Criteria: ACMG Guidelines, 2015. Collection method: clinical testing. Allele origin: unknown. Affected: yes.
Comment: This variant was interpreted as likely pathogenic. The ACMG criteria used were: PS1, based on a previous publication (PMID: 27273344) of p.Val255Met de novo in a patient with oocyte maturation arrest with functional validation by oocyte imaging and in vitro assays and interpreted as pathogenic. PM2 based on the low allele frequency in gnomAD v2.1.1 (total AF 0.00007497) and gnomAD v3 (total AF 0.0002104). PM6 both parents and sister do not have the p.Val255Met variant by Sanger sequencing without paternity testing. PP3 supported as deleterious by the predictions of Polyphen, SIFT, DANN, FATHMM-MKL, MVP and MutationTaster.

EVOGEN
Classification: Likely pathogenic for Oocyte maturation defect 2. Review status: criteria provided, single submitter. Criteria: ACMG Guidelines, 2015. Collection method: clinical testing. Allele origin: germline. Inheritance: Autosomal dominant inheritance. Affected: yes.
Comment: PM2: For dominant rare disorders, appeared in affected cases while extremely rare in population (PM2 met), OR, the prevalence of the variant in affected individuals is significantly increased compared to the prevalence in controls. PM1: Non-truncating non-synonymous variant is located in a mutational hot spot and/or critical and well-established functional domain. PP2: Missense variant in a gene with low rate of benign missense mutations and for which missense mutation is a common mechanism of a disease. PP5: ClinVar classifies this variant as Likely Pathogenic, 2 stars (reviewed Oct '25, 2 submissions), citing 32063091, associated with Inherited Oocyte Maturation Defect and Oocyte Maturation Defect 2.

Juno Genomics, Hangzhou Juno Genomics, Inc
Classification: Likely pathogenic for Oocyte maturation defect 2. Review status: criteria provided, single submitter. Criteria: ACMG Guidelines, 2015. Collection method: clinical testing. Allele origin: germline. Affected: yes.
Comment: Absent from controls (or at extremely low frequency if recessive) in Genome Aggregation Database, Exome Sequencing Project, 1000 Genomes Project, or Exome Aggregation Consortium.;The prevalence of the variant in affected individuals is significantly increased compared to the prevalence in controls.;Patient's phenotype or family history is highly specific for a disease with a single genetic etiology.;Assumed de novo, but without confirmation of paternity and maternity.;Co-segregation with disease in multiple affected family members in a gene definitively known to cause the disease.;Well-established in vitro or in vivo functional studies supportive of a damaging effect on the gene or gene product.

Literature cited by the submitters: PubMed 32063091 (cited by Genetics Laboratory, Instituto de Ciencias en Reproduccion Humana).

NM_177987.3(TUBB8):c.763G>A (p.Val255Met)

Gene: TUBB8 (tubulin beta 8 class VIII; minus strand). Cytogenetic location: 10p15.3.
Variant type: single nucleotide variant.
Coding change: c.763G>A on transcript NM_177987.3 (MANE Select); coding-DNA position 763, G replaced by A.
Protein change: p.Val255Met; replaces valine 255 with methionine.
Molecular consequence: missense variant.
Genome position (GRCh38, 1-based): chr10:47,629, C>T on the plus strand (G>A on the coding strand, the complement: TUBB8 is on the minus strand). VCF-style: chr10-47629-C-T. GRCh37 (hg19) VCF-style: chr10-93569-C-T.
Other names: c.547G>A, p.Val183Met (NM_001389618.1, NM_001389619.1); short protein forms V255M, V183M.
Identifiers: ClinVar variation 694522 (VCV000694522.10), dbSNP rs782269374, ClinGen allele CA5378398.
Genomic context (GRCh38, chr10:47,629, plus strand): 5'-TGGTCAGTGGGGCAAAGCCGGGCATGAAGAAATGCAGCCGGGGAAACGGGACCATGTTCA[C>T]GGCCAGCTTCCGCAGGTCAGCATTCAGCTGGCCCGGGAAGCGCAGGCACGTGGTGACCCC-3'
Protein context (NP_817124.1, residues 245-265): QLNADLRKLA[Val255Met]NMVPFPRLHF